The following is an entry in ClinVar:

ClinVar aggregate classification (germline): Uncertain significance (1 of 4 stars; one submission).

Submission:

Labcorp Genetics (formerly Invitae), Labcorp
Classification: Uncertain significance. Last evaluated: 2026-01-11. Review status: criteria provided, single submitter. Criteria: Invitae Variant Classification Sherloc (09022015). Collection method: clinical testing. Allele origin: germline.
Comment: This sequence change replaces proline, which is neutral and non-polar, with serine, which is neutral and polar, at codon 361 of the ERBIN protein (p.Pro361Ser). This variant is not present in population databases (gnomAD no frequency). This variant has not been reported in the literature in individuals affected with ERBIN-related conditions. An algorithm developed to predict the effect of missense changes on protein structure and function (PolyPhen-2) suggests that this variant is likely to be disruptive. In summary, the available evidence is currently insufficient to determine the role of this variant in disease. Therefore, it has been classified as a Variant of Uncertain Significance.

NM_001253697.2(ERBIN):c.1081C>T (p.Pro361Ser)

Gene: ERBIN (erbb2 interacting protein; plus strand). Cytogenetic location: 5q12.3.
Variant type: single nucleotide variant.
Coding change: c.1081C>T on transcript NM_001253697.2 (MANE Select); coding-DNA position 1081, C replaced by T.
Protein change: p.Pro361Ser; replaces proline 361 with serine.
Molecular consequence: missense variant.
Genome position (GRCh38, 1-based): chr5:66,026,362, C>T. VCF-style: chr5-66026362-C-T. GRCh37 (hg19) VCF-style: chr5-65322190-C-T.
Other names: c.1081C>T, p.Pro361Ser (NM_001006600.3, NM_001253698.2, NM_001253699.2 and 2 more transcripts); short protein forms P361S.
Identifiers: ClinVar variation 4735153 (VCV004735153.1).